The following is an entry in ClinVar:

NM_144999.4(LRRC45):c.282+5_282+6del

Gene: LRRC45 (leucine rich repeat containing 45; plus strand). Cytogenetic location: 17q25.3.
Variant type: Microsatellite.
Coding change: c.282+5_282+6del on transcript NM_144999.4 (MANE Select); bases 5 to 6 of the intron after coding-DNA position 282, 2 bases deleted (GA; older notation c.282+5_282+6delGA).
Molecular consequence: intron variant.
Genome position (GRCh38, 1-based): chr17:82,024,344-82,024,345, GA deleted; deleting any 2 consecutive bases within chr17:82,024,342-82,024,345 gives the same sequence; the c. name uses the placement nearest the transcript's 3' end. VCF-style (leftmost placement, unchanged base first): chr17-82024341-TGA-T. GRCh37 (hg19) VCF-style: chr17-79982217-TGA-T.
Identifiers: ClinVar variation 4981778 (VCV004981778.1).

ClinVar aggregate classification (germline): Uncertain significance (1 of 4 stars; one submission).

Conditions:
LRRC45-related disorder. Also called: LRRC45-related condition.

Submission:

PreventionGenetics, part of Exact Sciences
Classification: Uncertain significance for LRRC45-related condition. Last evaluated: 2026-07-14. Review status: criteria provided, single submitter. Criteria: ACMG Guidelines, 2015. Collection method: clinical testing. Allele origin: germline.
Comment: The LRRC45 c.282+5_282+6delGA variant is predicted to result in an intronic deletion. To our knowledge, this variant has not been reported in the literature. This variant is reported in 0.046% of alleles in individuals of European (Non-Finnish) descent in gnomAD. This variant is predicted to alter splicing based on available splicing prediction programs (Alamut Visual Plus v1.6.1; SpliceAI, Jaganathan et al. 2019. PubMed ID: 30661751). However, the use of computer prediction programs is not equivalent to functional evidence. At this time, the clinical significance of this variant is uncertain due to the absence of conclusive functional and genetic evidence.